The following is an entry in ClinVar:

NM_004260.4(RECQL4):c.1187_1188del (p.Thr396fs)

Gene: RECQL4 (RecQ like helicase 4; minus strand). Cytogenetic location: 8q24.3.
Variant type: Microsatellite.
Coding change: c.1187_1188del on transcript NM_004260.4 (MANE Select); coding-DNA positions 1187 to 1188, 2 bases deleted (CA; older notation c.1187_1188delCA).
Protein change: p.Thr396fs; shifts the reading frame from threonine 396.
Molecular consequence: frameshift variant.
Genome position (GRCh38, 1-based): chr8:144,515,834-144,515,835, TG deleted on the plus strand (CA on the coding strand, the reverse complement: RECQL4 is on the minus strand); deleting any 2 consecutive bases within chr8:144,515,834-144,515,837 gives the same sequence; the c. name uses the placement nearest the transcript's 3' end. VCF-style (leftmost placement, unchanged base first): chr8-144515833-CTG-C. GRCh37 (hg19) VCF-style: chr8-145741217-CTG-C.
Other names: short protein forms T396fs.
Identifiers: ClinVar variation 955877 (VCV000955877.6), dbSNP rs1828085910, ClinGen allele CA1826368636.

ClinVar aggregate classification (germline): Pathogenic (1 of 4 stars; one submission).

Conditions:
Baller-Gerold syndrome (BGS). Also called: CRANIOSYNOSTOSIS WITH RADIAL DEFECTS. Identifiers: Orphanet 1225, MedGen C0265308, MONDO:0009039, OMIM 218600.

Submission:

Labcorp Genetics (formerly Invitae), Labcorp
Classification: Pathogenic for Baller-Gerold syndrome. Last evaluated: 2022-10-24. Review status: criteria provided, single submitter. Criteria: Invitae Variant Classification Sherloc (09022015). Collection method: clinical testing. Allele origin: germline.
Comment: This sequence change creates a premature translational stop signal (p.Thr396Serfs*26) in the RECQL4 gene. It is expected to result in an absent or disrupted protein product. Loss-of-function variants in RECQL4 are known to be pathogenic (PMID: 12734318, 12952869). This variant is not present in population databases (gnomAD no frequency). This variant has not been reported in the literature in individuals affected with RECQL4-related conditions. ClinVar contains an entry for this variant (Variation ID: 955877). For these reasons, this variant has been classified as Pathogenic.

Literature cited by the submitters: PubMed 12734318; PubMed 12952869.